The following is an entry in ClinVar:

NM_004360.5(CDH1):c.1327G>A (p.Asp443Asn)

Gene: CDH1 (cadherin 1; plus strand). Cytogenetic location: 16q22.1.
Variant type: single nucleotide variant.
Coding change: c.1327G>A on transcript NM_004360.5 (MANE Select); coding-DNA position 1327, G replaced by A.
Protein change: p.Asp443Asn; replaces aspartic acid 443 with asparagine.
Molecular consequence: missense variant. On other transcripts: 5 prime UTR variant (2).
Genome position (GRCh38, 1-based): chr16:68,815,521, G>A. VCF-style: chr16-68815521-G-A. GRCh37 (hg19) VCF-style: chr16-68849424-G-A.
Other names: c.1144G>A, p.Asp382Asn (NM_001317184.2); c.-222G>A (NM_001317185.2); c.-493G>A (NM_001317186.2); short protein forms D382N, D443N.
Identifiers: ClinVar variation 1390264 (VCV001390264.8), dbSNP rs2152134678, ClinGen allele CA396462663.

ClinVar aggregate classification (germline): Uncertain significance (1 of 4 stars; one submission).

Conditions:
Hereditary diffuse gastric adenocarcinoma (HDGC). Also called: DIFFUSE GASTRIC AND LOBULAR BREAST CANCER SYNDROME. Identifiers: Orphanet 26106, MedGen C1708349, MONDO:0007648, OMIM 137215.

Submission:

Labcorp Genetics (formerly Invitae), Labcorp
Classification: Uncertain significance for Hereditary diffuse gastric adenocarcinoma. Last evaluated: 2021-04-23. Review status: criteria provided, single submitter. Criteria: Invitae Variant Classification Sherloc (09022015). Collection method: clinical testing. Allele origin: germline.
Comment: Algorithms developed to predict the effect of missense changes on protein structure and function (SIFT, PolyPhen-2, Align-GVGD) all suggest that this variant is likely to be tolerated, but these predictions have not been confirmed by published functional studies and their clinical significance is uncertain. In summary, the available evidence is currently insufficient to determine the role of this variant in disease. Therefore, it has been classified as a Variant of Uncertain Significance. This variant has not been reported in the literature in individuals with CDH1-related conditions. This sequence change replaces aspartic acid with asparagine at codon 443 of the CDH1 protein (p.Asp443Asn). The aspartic acid residue is highly conserved and there is a small physicochemical difference between aspartic acid and asparagine. This variant is not present in population databases (ExAC no frequency).